The following is an entry in ClinVar:

ClinVar aggregate classification (germline): Uncertain significance (1 of 4 stars; one submission).

Conditions:
Alstrom syndrome (ALMS). Identifiers: Orphanet 64, MedGen C0268425, MONDO:0008763, OMIM 203800.

Allele frequency attached by ClinVar (database versions not stated): ExAC 0.00002; gnomAD 0.00003.

Submission:

Labcorp Genetics (formerly Invitae), Labcorp
Classification: Uncertain significance for Alstrom syndrome. Last evaluated: 2022-09-06. Review status: criteria provided, single submitter. Criteria: Invitae Variant Classification Sherloc (09022015). Collection method: clinical testing. Allele origin: germline.
Comment: This sequence change replaces serine, which is neutral and polar, with glycine, which is neutral and non-polar, at codon 1304 of the ALMS1 protein (p.Ser1304Gly). The frequency data for this variant in the population databases is considered unreliable, as metrics indicate poor data quality at this position in the gnomAD database. This variant has not been reported in the literature in individuals affected with ALMS1-related conditions. In summary, the available evidence is currently insufficient to determine the role of this variant in disease. Therefore, it has been classified as a Variant of Uncertain Significance.

NM_001378454.1(ALMS1):c.3907A>G (p.Ser1303Gly)

Gene: ALMS1 (ALMS1 centrosome and basal body associated protein; plus strand). Cytogenetic location: 2p13.1.
Variant type: single nucleotide variant.
Coding change: c.3907A>G on transcript NM_001378454.1 (MANE Select); coding-DNA position 3907, A replaced by G.
Protein change: p.Ser1303Gly; replaces serine 1303 with glycine.
Molecular consequence: missense variant.
Genome position (GRCh38, 1-based): chr2:73,450,434, A>G. VCF-style: chr2-73450434-A-G. GRCh37 (hg19) VCF-style: chr2-73677561-A-G.
Other names: c.3910A>G, p.Ser1304Gly (NM_015120.4); short protein forms S1303G, S1304G.
Identifiers: ClinVar variation 2049155 (VCV002049155.1), dbSNP rs763425515, ClinGen allele CA1713613.